The following is an entry in ClinVar:

NM_152722.5(HEPACAM):c.1145C>T (p.Pro382Leu)

Gene: HEPACAM (hepatic and glial cell adhesion molecule; minus strand). Cytogenetic location: 11q24.2.
Variant type: single nucleotide variant.
Coding change: c.1145C>T on transcript NM_152722.5 (MANE Select); coding-DNA position 1145, C replaced by T.
Protein change: p.Pro382Leu; replaces proline 382 with leucine.
Molecular consequence: missense variant.
Genome position (GRCh38, 1-based): chr11:124,921,244, G>A on the plus strand (C>T on the coding strand, the complement: HEPACAM is on the minus strand). VCF-style: chr11-124921244-G-A. GRCh37 (hg19) VCF-style: chr11-124791140-G-A.
Other names: c.1301C>T, p.Pro434Leu (NM_001411043.1); short protein forms P382L, P434L.
Identifiers: ClinVar variation 1710664 (VCV001710664.5), dbSNP rs986222260, ClinGen allele CA383137399.
Genomic context (GRCh38, chr11:124,921,244, plus strand): 5'-ATGTGCACGCCCGCAGTCCGCAGTGTGCGCGAGGCGCTGCGCGAGCGGCCGGGCGAGCTC[G>A]GGGCCCTGGGCGGCGACGAGTGTGTCCGGCCGGTGGCTGGGGAGCGCGCTGGGGAGCGCG-3'
Protein context (NP_689935.2, residues 372-392): GRTHSSPPRA[Pro382Leu]SSPGRSRSAS

ClinVar aggregate classification (germline): Uncertain significance. Review status: criteria provided, multiple submitters, no conflicts (2 of 4 stars). 2 submissions from 2 submitters: Uncertain significance (2). Last evaluated 2023-07-29.

gnomAD v4.1: 5 of 1,456,276 alleles (0.00034%); highest among the groups gnomAD compares: Admixed American, 0.0049%; no homozygotes.

Submissions (2):

Labcorp Genetics (formerly Invitae), Labcorp
Classification: Uncertain significance. Last evaluated: 2023-07-29. Review status: criteria provided, single submitter. Criteria: Invitae Variant Classification Sherloc (09022015). Collection method: clinical testing. Allele origin: germline.
Comment: An algorithm developed to predict the effect of missense changes on protein structure and function (PolyPhen-2) suggests that this variant is likely to be disruptive. This sequence change replaces proline, which is neutral and non-polar, with leucine, which is neutral and non-polar, at codon 382 of the HEPACAM protein (p.Pro382Leu). This variant is present in population databases (no rsID available, gnomAD 0.01%). This variant has not been reported in the literature in individuals affected with HEPACAM-related conditions. ClinVar contains an entry for this variant (Variation ID: 1710664). In summary, the available evidence is currently insufficient to determine the role of this variant in disease. Therefore, it has been classified as a Variant of Uncertain Significance.

GeneDx
Classification: Uncertain significance. Last evaluated: 2022-04-13. Review status: criteria provided, single submitter. Criteria: GeneDx Variant Classification Process June 2021. Collection method: clinical testing. Allele origin: germline. Affected: yes.
Comment: In silico analysis supports that this missense variant does not alter protein structure/function; Has not been previously published as pathogenic or benign to our knowledge